The following is an entry in ClinVar:

ClinVar aggregate classification (germline): Uncertain significance. Review status: criteria provided, multiple submitters, no conflicts (2 of 4 stars). 2 submissions from 2 submitters: Uncertain significance (2). Last evaluated 2022-06-08.

Conditions:
Dystonic disorder. Also called: Dystonia. Identifiers: MedGen C0013421, MONDO:0003441, HP:0001332.

Allele frequency attached by ClinVar (database versions not stated): gnomAD 0.00001; TOPMed 0.00001.
gnomAD v4.1: 2 of 1,510,764 alleles (0.00013%); highest among the groups gnomAD compares: East Asian, 0.0026%; no homozygotes.

Submissions (2):

GeneDx
Classification: Uncertain significance. Last evaluated: 2022-06-08. Review status: criteria provided, single submitter. Criteria: GeneDx Variant Classification Process June 2021. Collection method: clinical testing. Allele origin: germline. Affected: yes.
Comment: Has not been previously published as pathogenic or benign to our knowledge; Not observed at significant frequency in large population cohorts (gnomAD); In silico analysis, which includes splice predictors and evolutionary conservation, suggests this variant may impact gene splicing; in the absence of RNA/functional studies, the actual effect of this sequence change is unknown

Labcorp Genetics (formerly Invitae), Labcorp
Classification: Uncertain significance for Dystonic disorder. Last evaluated: 2022-03-13. Review status: criteria provided, single submitter. Criteria: Invitae Variant Classification Sherloc (09022015). Collection method: clinical testing. Allele origin: germline.
Comment: This sequence change falls in intron 1 of the SPR gene. It does not directly change the encoded amino acid sequence of the SPR protein. It affects a nucleotide within the consensus splice site. This variant is not present in population databases (gnomAD no frequency). This variant has not been reported in the literature in individuals affected with SPR-related conditions. Variants that disrupt the consensus splice site are a relatively common cause of aberrant splicing (PMID: 17576681, 9536098). Algorithms developed to predict the effect of sequence changes on RNA splicing suggest that this variant may create or strengthen a splice site. In summary, the available evidence is currently insufficient to determine the role of this variant in disease. Therefore, it has been classified as a Variant of Uncertain Significance.

Literature cited by the submitters: PubMed 17576681 (cited by Labcorp Genetics (formerly Invitae), Labcorp); PubMed 9536098 (cited by Labcorp Genetics (formerly Invitae), Labcorp).

NM_003124.5(SPR):c.304+5G>C

Gene: SPR (sepiapterin reductase; plus strand). Cytogenetic location: 2p13.2.
Variant type: single nucleotide variant.
Coding change: c.304+5G>C on transcript NM_003124.5 (MANE Select); 5 bases into the intron after coding-DNA position 304, G replaced by C.
Molecular consequence: intron variant.
Genome position (GRCh38, 1-based): chr2:72,887,741, G>C. VCF-style: chr2-72887741-G-C. GRCh37 (hg19) VCF-style: chr2-73114870-G-C.
Identifiers: ClinVar variation 1803558 (VCV001803558.4), dbSNP rs1432475632, ClinGen allele CA892791208.